The following is an entry in ClinVar:

ClinVar aggregate classification (germline): Uncertain significance. Review status: criteria provided, multiple submitters, no conflicts (2 of 4 stars). 2 submissions from 2 submitters: Uncertain significance (2). Last evaluated 2023-04-05.

Conditions:
Inborn genetic diseases. Identifiers: MedGen C0950123, MeSH D030342.

Allele frequency attached by ClinVar (database versions not stated): gnomAD 0.00001 and 0.00002; gnomAD exomes 0.00003; TOPMed 0.00003; ExAC 0.00004; ESP Exome Variant Server 0.00008.
gnomAD v4.1: 28 of 1,613,874 alleles (0.0017%); highest among the groups gnomAD compares: Non-Finnish European, 0.00017%; no homozygotes.

Submissions (2):

Ambry Genetics
Classification: Uncertain significance for Inborn genetic diseases. Last evaluated: 2023-04-05. Review status: criteria provided, single submitter. Criteria: Ambry Variant Classification Scheme 2023. Collection method: clinical testing. Allele origin: germline.

Labcorp Genetics (formerly Invitae), Labcorp
Classification: Uncertain significance. Last evaluated: 2020-08-20. Review status: criteria provided, single submitter. Criteria: Invitae Variant Classification Sherloc (09022015). Collection method: clinical testing. Allele origin: germline.
Comment: In summary, the available evidence is currently insufficient to determine the role of this variant in disease. Therefore, it has been classified as a Variant of Uncertain Significance. Algorithms developed to predict the effect of missense changes on protein structure and function output the following: SIFT: "Tolerated"; PolyPhen-2: "Benign"; Align-GVGD: "Class C0". The isoleucine amino acid residue is found in multiple mammalian species, suggesting that this missense change does not adversely affect protein function. These predictions have not been confirmed by published functional studies and their clinical significance is uncertain. This variant has not been reported in the literature in individuals with RP1-related conditions. This variant is present in population databases (rs375156216, ExAC 0.008%). This sequence change replaces threonine with isoleucine at codon 1618 of the RP1 protein (p.Thr1618Ile). The threonine residue is weakly conserved and there is a moderate physicochemical difference between threonine and isoleucine.

NM_006269.2(RP1):c.4853C>T (p.Thr1618Ile)

Gene: RP1 (RP1 axonemal microtubule associated; plus strand). Cytogenetic location: 8q12.1.
Variant type: single nucleotide variant.
Coding change: c.4853C>T on transcript NM_006269.2 (MANE Select); coding-DNA position 4853, C replaced by T.
Protein change: p.Thr1618Ile; replaces threonine 1618 with isoleucine.
Molecular consequence: missense variant. On other transcripts: intron variant (1).
Genome position (GRCh38, 1-based): chr8:54,628,735, C>T. VCF-style: chr8-54628735-C-T. GRCh37 (hg19) VCF-style: chr8-55541295-C-T.
Other names: c.787+6447C>T (NM_001375654.1); short protein forms T1618I.
Identifiers: ClinVar variation 943594 (VCV000943594.11), dbSNP rs375156216, ClinGen allele CA4751957.